The following is an entry in ClinVar:

ClinVar aggregate classification (germline): Uncertain significance (1 of 4 stars; one submission).

Submission:

GeneDx
Classification: Uncertain significance. Last evaluated: 2023-10-18. Review status: criteria provided, single submitter. Criteria: GeneDx Variant Classification Process June 2021. Collection method: clinical testing. Allele origin: germline. Affected: yes.
Comment: Not observed at significant frequency in large population cohorts (gnomAD); In silico analysis supports that this missense variant does not alter protein structure/function; Has not been previously published as pathogenic or benign to our knowledge

NM_003024.3(ITSN1):c.616G>A (p.Val206Met)

Gene: ITSN1 (intersectin 1; plus strand). Cytogenetic location: 21q22.11.
Variant type: single nucleotide variant.
Coding change: c.616G>A on transcript NM_003024.3 (MANE Select); coding-DNA position 616, G replaced by A.
Protein change: p.Val206Met; replaces valine 206 with methionine.
Molecular consequence: missense variant.
Genome position (GRCh38, 1-based): chr21:33,751,899, G>A. VCF-style: chr21-33751899-G-A. GRCh37 (hg19) VCF-style: chr21-35124204-G-A.
Other names: c.616G>A, p.Val206Met (NM_001331010.2, NM_001331011.2, NM_001001132.2 and 2 more transcripts); c.505G>A, p.Val169Met (NM_001331012.2); short protein forms V169M, V206M.
Identifiers: ClinVar variation 3366039 (VCV003366039.1).